The following is an entry in ClinVar:

NM_020937.4(FANCM):c.767A>G (p.Gln256Arg)

Gene: FANCM (FA complementation group M; plus strand). Cytogenetic location: 14q21.2.
Variant type: single nucleotide variant.
Coding change: c.767A>G on transcript NM_020937.4 (MANE Select); coding-DNA position 767, A replaced by G.
Protein change: p.Gln256Arg; replaces glutamine 256 with arginine.
Molecular consequence: missense variant.
Genome position (GRCh38, 1-based): chr14:45,148,844, A>G. VCF-style: chr14-45148844-A-G. GRCh37 (hg19) VCF-style: chr14-45618047-A-G.
Other names: c.767A>G (NM_020937.2, NM_020937.3); c.689A>G, p.Gln230Arg (NM_001308133.2); c.767A>G, p.Gln256Arg (NM_001308134.2); short protein forms Q230R, Q256R.
Identifiers: ClinVar variation 1684727 (VCV001684727.3), dbSNP rs2139151348, ClinGen allele CA389589780.

ClinVar aggregate classification (germline): Uncertain significance. Review status: criteria provided, multiple submitters, no conflicts (2 of 4 stars). 3 submissions from 3 submitters: Uncertain significance (3). Last evaluated 2025-07-15.

Conditions:
Inborn genetic diseases. Identifiers: MedGen C0950123, MeSH D030342.

Submissions (3):

Quest Diagnostics Nichols Institute San Juan Capistrano
Classification: Uncertain significance. Last evaluated: 2025-07-15. Review status: criteria provided, single submitter. Criteria: Quest Diagnostics criteria. Collection method: clinical testing. Allele origin: unknown.
Comment: The FANCM c.767A>G (p.Gln256Arg) variant has not been reported in individuals with FANCM-related conditions in the published literature. It also has not been reported in large, multi-ethnic general populations (Genome Aggregation Database). Analysis of this variant using bioinformatics tools for the prediction of the effect of amino acid changes on protein structure and function yielded predictions that this variant is benign. Based on the available information, we are unable to determine the clinical significance of this variant.

Ambry Genetics
Classification: Uncertain significance for Inborn genetic diseases. Last evaluated: 2025-04-19. Review status: criteria provided, single submitter. Criteria: Ambry Variant Classification Scheme 2023. Collection method: clinical testing. Allele origin: germline.
Comment: The p.Q256R variant (also known as c.767A>G), located in coding exon 4 of the FANCM gene, results from an A to G substitution at nucleotide position 767. The glutamine at codon 256 is replaced by arginine, an amino acid with highly similar properties. This amino acid position is conserved. In addition, the in silico prediction for this alteration is inconclusive. Based on the available evidence, the clinical significance of this variant remains unclear.

Mendelics
Classification: Uncertain significance. Last evaluated: 2022-05-04. Review status: criteria provided, single submitter. Criteria: Mendelics Assertion Criteria 2019. Collection method: clinical testing. Allele origin: germline.